The following is an entry in ClinVar:

ClinVar aggregate classification (germline): Likely pathogenic (1 of 4 stars; one submission).

Conditions:
Familial adenomatous polyposis 1 (FAP1). Also called: FAMILIAL ADENOMATOUS POLYPOSIS 1, ATTENUATED; POLYPOSIS, ADENOMATOUS INTESTINAL. Identifiers: MedGen C2713442, MONDO:0021056, OMIM 175100. Disease mechanism: loss of function.

Submission:

Labcorp Genetics (formerly Invitae), Labcorp
Classification: Likely pathogenic for Familial adenomatous polyposis 1. Last evaluated: 2020-12-11. Review status: criteria provided, single submitter. Criteria: Invitae Variant Classification Sherloc (09022015). Collection method: clinical testing. Allele origin: germline.
Comment: This variant results in the deletion of part of exon 4 (c.369_422+44delinsG) of the APC gene. It is expected to disrupt RNA splicing. Variants that disrupt the donor or acceptor splice site typically lead to a loss of protein function (PMID: 16199547), and loss-of-function variants in APC are known to be pathogenic (PMID: 17963004, 20685668). This variant is not present in population databases (ExAC no frequency). This variant has not been reported in the literature in individuals with APC-related conditions. Algorithms developed to predict the effect of sequence changes on RNA splicing suggest that this variant may disrupt the consensus splice site, but this prediction has not been confirmed by published transcriptional studies. In summary, the currently available evidence indicates that the variant is pathogenic, but additional data are needed to prove that conclusively. Therefore, this variant has been classified as Likely Pathogenic.

Literature cited by the submitters: PubMed 16199547; PubMed 17963004; PubMed 20685668.

NM_000038.6(APC):c.369_422+44delinsG

Gene: APC (APC regulator of Wnt signaling pathway; plus strand). Cytogenetic location: 5q22.2.
Variant type: Indel.
Coding change: c.369_422+44delinsG on transcript NM_000038.6 (MANE Select); coding-DNA position 369 through 44 bases into the intron after coding-DNA position 422, the reference bases replaced by G.
Molecular consequence: splice donor variant.
Genome position (GRCh38, 1-based): chr5:112,767,337-112,767,434, 98 bases replaced. GRCh37 (hg19): chr5:112,103,034-112,103,131.
Other names: c.369_422+44delinsG (NM_001354895.2, NM_001127510.3, NM_001354896.2 and 2 more transcripts); c.399_452+44delinsG (NM_001354897.2, NM_001354902.2, NM_001127511.3); c.294_347+44delinsG (NM_001354898.2, NM_001354904.2); c.-667_-614+44delinsG (NM_001354906.2); c.192_245+44delinsG (NM_001354900.2, NM_001354901.2, NM_001354905.2).
Identifiers: ClinVar variation 1473203 (VCV001473203.6), dbSNP rs2149789411, ClinGen allele CA2573138615.